The following is an entry in ClinVar:

NM_024301.5(FKRP):c.777_798del (p.Glu260fs)

Gene: FKRP (fukutin related protein; plus strand). Cytogenetic location: 19q13.32.
Variant type: Deletion.
Coding change: c.777_798del on transcript NM_024301.5 (MANE Select); coding-DNA positions 777 to 798, 22 bases deleted (CGAGGGACGCGCTCGGCGGGCG).
Protein change: p.Glu260fs; shifts the reading frame from glutamic acid 260.
Molecular consequence: frameshift variant.
Genome position (GRCh38, 1-based): chr19:46,756,227-46,756,248, CGAGGGACGCGCTCGGCGGGCG deleted; deleting any 22 consecutive bases within chr19:46,756,224-46,756,248 gives the same sequence; the c. name uses the placement nearest the transcript's 3' end. VCF-style (leftmost placement, unchanged base first): chr19-46756223-AGCGCGAGGGACGCGCTCGGCGG-A. GRCh37 (hg19) VCF-style: chr19-47259480-AGCGCGAGGGACGCGCTCGGCGG-A.
Other names: c.777_798del, p.Glu260fs (NM_001039885.3); short protein forms E260fs.
Identifiers: ClinVar variation 4081681 (VCV004081681.1).

ClinVar aggregate classification (germline): Pathogenic (1 of 4 stars; one submission).

Conditions:
Myopathy caused by variation in FKRP. Identifiers: MedGen CN305637, MONDO:0700066.

Submission:

Myriad Genetics, Inc.
Classification: Pathogenic for Myopathy caused by variation in FKRP. Last evaluated: 2025-07-10. Review status: criteria provided, single submitter. Criteria: Myriad Autosomal Dominant, Autosomal Recessive and X-Linked Classification Criteria (2023). Collection method: clinical testing. Allele origin: unknown.
Comment: NM_024301.4(FKRP):c.777_798del22(E260Rfs*10) is a frameshift variant classified as pathogenic in the context of FKRP-related disorders. E260Rfs*10 has not been observed in cases with relevant disease. Relevant functional assessments of this variant are not available in the literature. E260Rfs*10 has not been observed in referenced population frequency databases. In summary, NM_024301.4(FKRP):c.777_798del22(E260Rfs*10) is a frameshift variant in a gene where loss of function is a known mechanism of disease and is predicted to disrupt protein function. Please note: this variant was assessed in the context of healthy population screening.